The following is an entry in ClinVar:

NM_022482.5(GZF1):c.1115G>A (p.Ser372Asn)

Gene: GZF1 (GDNF inducible zinc finger protein 1; plus strand). Cytogenetic location: 20p11.21.
Variant type: single nucleotide variant.
Coding change: c.1115G>A on transcript NM_022482.5 (MANE Select); coding-DNA position 1115, G replaced by A.
Protein change: p.Ser372Asn; replaces serine 372 with asparagine.
Molecular consequence: missense variant.
Genome position (GRCh38, 1-based): chr20:23,365,498, G>A. VCF-style: chr20-23365498-G-A. GRCh37 (hg19) VCF-style: chr20-23346135-G-A.
Other names: c.1115G>A (NM_022482.3); c.1115G>A, p.Ser372Asn (NM_001317012.2, NM_001317019.1); short protein forms S372N.
Identifiers: ClinVar variation 1380838 (VCV001380838.9), dbSNP rs371847100, ClinGen allele CA9788645.

ClinVar aggregate classification (germline): Uncertain significance. Review status: criteria provided, multiple submitters, no conflicts (2 of 4 stars). 2 submissions from 2 submitters: Uncertain significance (2). Last evaluated 2025-09-15.

Conditions:
Inborn genetic diseases. Identifiers: MedGen C0950123, MeSH D030342.

Allele frequency attached by ClinVar (database versions not stated): ExAC 0.00001; gnomAD exomes 0.00002 and 0.00003; gnomAD 0.00003 and 0.00004; TOPMed 0.00005; ESP Exome Variant Server 0.00008.
gnomAD v4.1: 38 of 1,613,724 alleles (0.0024%); highest among the groups gnomAD compares: Non-Finnish European, 0.0032%; no homozygotes.

Submissions (2):

Labcorp Genetics (formerly Invitae), Labcorp
Classification: Uncertain significance. Last evaluated: 2025-09-15. Review status: criteria provided, single submitter. Criteria: Invitae Variant Classification Sherloc (09022015). Collection method: clinical testing. Allele origin: germline.
Comment: This sequence change replaces serine, which is neutral and polar, with asparagine, which is neutral and polar, at codon 372 of the GZF1 protein (p.Ser372Asn). This variant is present in population databases (rs371847100, gnomAD 0.01%). This variant has not been reported in the literature in individuals affected with GZF1-related conditions. ClinVar contains an entry for this variant (Variation ID: 1380838). An algorithm developed to predict the effect of missense changes on protein structure and function (PolyPhen-2) suggests that this variant is likely to be disruptive. In summary, the available evidence is currently insufficient to determine the role of this variant in disease. Therefore, it has been classified as a Variant of Uncertain Significance.

Ambry Genetics
Classification: Uncertain significance for Inborn genetic diseases. Last evaluated: 2025-03-10. Review status: criteria provided, single submitter. Criteria: Ambry Variant Classification Scheme 2023. Collection method: clinical testing. Allele origin: germline.